The following is an entry in ClinVar:

NM_000222.3(KIT):c.2612C>G (p.Pro871Arg)

Gene: KIT (KIT proto-oncogene, receptor tyrosine kinase; plus strand). Cytogenetic location: 4q12.
Variant type: single nucleotide variant.
Coding change: c.2612C>G on transcript NM_000222.3 (MANE Select); coding-DNA position 2612, C replaced by G.
Protein change: p.Pro871Arg; replaces proline 871 with arginine.
Molecular consequence: missense variant.
Genome position (GRCh38, 1-based): chr4:54,736,736, C>G. VCF-style: chr4-54736736-C-G. GRCh37 (hg19) VCF-style: chr4-55602902-C-G.
Other names: c.2600C>G, p.Pro867Arg (NM_001093772.2, NM_001385292.1); c.2615C>G, p.Pro872Arg (NM_001385284.1); c.2609C>G, p.Pro870Arg (NM_001385285.1); c.2597C>G, p.Pro866Arg (NM_001385286.1); c.2603C>G, p.Pro868Arg (NM_001385288.1); c.2612C>G, p.Pro871Arg (NM_001385290.1); short protein forms P871R, P867R, P866R, P868R, P870R, P872R.
Identifiers: ClinVar variation 570556 (VCV000570556.21), dbSNP rs755797225, ClinGen allele CA2923811.

ClinVar aggregate classification (germline): Conflicting classifications of pathogenicity. Review status: criteria provided, conflicting classifications (1 of 4 stars). 6 submissions from 6 submitters: Uncertain significance (5); Likely benign (1). Last evaluated 2026-06-01.

Conditions:
Gastrointestinal stromal tumor. Also called: Gastrointestinal stroma tumor; Gastrointestinal stromal tumor, somatic. Identifiers: Orphanet 44890, MedGen C0238198, MeSH D046152, MONDO:0011719, OMIM 606764, HP:0100723.
Acute myeloid leukemia (AML). Also called: Leukemia, acute myeloid, somatic; Leukemia, acute myelogenous, somatic; Acute myeloid leukemia, adult; AML adult; Acute non-lymphocytic leukemia; Acute granulocytic leukemia. Identifiers: Orphanet 519, MedGen C0023467, MeSH D015470, MONDO:0018874, OMIM 601626, HP:0004808. Disease mechanism: Constitutively activated FLT3.
Germ cell tumor of testis (TGCT). Also called: Testicular germ cell tumor; GERM CELL TUMOR, SOMATIC. Identifiers: Orphanet 363504, MedGen C1336708, MONDO:0010108, OMIM 273300.
Piebaldism. Also called: Piebald skin depigmentation. Identifiers: Orphanet 2884, MedGen C0080024, MONDO:0008244, OMIM 172800, HP:0007544.
Cutaneous mastocytosis. Also called: MASTOCYTOSIS, MACULOPAPULAR CUTANEOUS. Identifiers: Orphanet 66646, MedGen C1136033, MONDO:0019023, OMIM 154800, HP:0200151.
Hereditary cancer-predisposing syndrome. Also called: Hereditary Cancer Syndrome; Tumor predisposition; Neoplastic Syndromes, Hereditary; Hereditary neoplastic syndrome. Identifiers: Orphanet 140162, MedGen C0027672, MeSH D009386, MONDO:0015356.

Allele frequency attached by ClinVar (database versions not stated): gnomAD 0.00001; gnomAD exomes 0.00002 and 0.00003; ExAC 0.00003; TOPMed 0.00003.
gnomAD v4.1: 33 of 1,614,038 alleles (0.002%); highest among the groups gnomAD compares: Non-Finnish European, 0.00034%; no homozygotes.

Submissions (6):

Myriad Genetics, Inc.
Classification: Likely benign for Gastrointestinal stromal tumor. Last evaluated: 2026-06-01. Review status: criteria provided, single submitter. Criteria: Myriad Autosomal Dominant, Autosomal Recessive and X-Linked Classification Criteria (2023). Collection method: clinical testing. Allele origin: unknown.
Comment: This variant is considered likely benign. This variant has been observed at a population frequency that is significantly greater than expected given the associated disease prevalence and penetrance.

Labcorp Genetics (formerly Invitae), Labcorp
Classification: Uncertain significance for Gastrointestinal stromal tumor. Last evaluated: 2025-11-28. Review status: criteria provided, single submitter. Criteria: Invitae Variant Classification Sherloc (09022015). Collection method: clinical testing. Allele origin: germline.
Comment: This sequence change replaces proline, which is neutral and non-polar, with arginine, which is basic and polar, at codon 871 of the KIT protein (p.Pro871Arg). This variant is present in population databases (rs755797225, gnomAD 0.07%). This variant has not been reported in the literature in individuals affected with KIT-related conditions. ClinVar contains an entry for this variant (Variation ID: 570556). An algorithm developed to predict the effect of missense changes on protein structure and function (PolyPhen-2) suggests that this variant is likely to be disruptive. In summary, the available evidence is currently insufficient to determine the role of this variant in disease. Therefore, it has been classified as a Variant of Uncertain Significance.

Ambry Genetics
Classification: Uncertain significance for Hereditary cancer-predisposing syndrome. Last evaluated: 2024-12-23. Review status: criteria provided, single submitter. Criteria: Ambry Variant Classification Scheme 2023. Collection method: clinical testing. Allele origin: germline.
Comment: The p.P871R variant (also known as c.2612C>G), located in coding exon 19 of the KIT gene, results from a C to G substitution at nucleotide position 2612. The proline at codon 871 is replaced by arginine, an amino acid with dissimilar properties. This amino acid position is highly conserved in available vertebrate species. In addition, this alteration is predicted to be deleterious by in silico analysis. Based on the available evidence, the clinical significance of this variant remains unclear.

GeneDx
Classification: Uncertain significance. Last evaluated: 2024-08-22. Review status: criteria provided, single submitter. Criteria: GeneDx Variant Classification Process June 2021. Collection method: clinical testing. Allele origin: germline.
Comment: In silico analysis supports that this missense variant has a deleterious effect on protein structure/function; Has not been previously published as pathogenic or benign to our knowledge

Fulgent Genetics
Classification: Uncertain significance for Cutaneous mastocytosis; Piebaldism; Germ cell tumor of testis; Acute myeloid leukemia; Gastrointestinal stromal tumor. Last evaluated: 2024-06-20. Review status: criteria provided, single submitter. Criteria: ACMG Guidelines, 2015. Collection method: clinical testing. Allele origin: germline.

Baylor Genetics
Classification: Uncertain significance for Gastrointestinal stromal tumor. Last evaluated: 2024-03-21. Review status: criteria provided, single submitter. Criteria: ACMG Guidelines, 2015. Collection method: clinical testing. Allele origin: unknown.